The following is an entry in ClinVar:

NM_000135.4(FANCA):c.*673A>G

Genes: FANCA (FA complementation group A; minus strand), ZNF276 (zinc finger protein 276; plus strand). Cytogenetic location: 16q24.3.
Variant type: single nucleotide variant.
Coding change: c.*673A>G on transcript NM_000135.4 (MANE Select); 673 bases downstream of the stop codon, A replaced by G.
Molecular consequence: 3 prime UTR variant. On other transcripts: intron variant (2).
Genome position (GRCh38, 1-based): chr16:89,737,928, T>C on the plus strand (A>G on the coding strand, the complement: FANCA is on the minus strand). VCF-style: chr16-89737928-T-C. GRCh37 (hg19) VCF-style: chr16-89804336-T-C.
Other names: c.*770A>G (NM_001286167.3); c.1349+23T>C (NM_152287.4); c.1574+23T>C (NM_001113525.2).
Identifiers: ClinVar variation 321312 (VCV000321312.6), dbSNP rs62704561, ClinGen allele CA8250436.
Genomic context (GRCh38, chr16:89,737,928, plus strand): 5'-GTCCACCAAATGCGACATTCGGGAGCCAAGCCTTTGCAGTAAGTGTGAGTCAGGACCCCC[T>C]CCCAGGGCTGTGGCCCTCGCACCTTCTTATCTGCCTCTGTCCCCCAGGTGTGAGGTCTGT-3'

ClinVar aggregate classification (germline): Benign. Review status: criteria provided, multiple submitters, no conflicts (2 of 4 stars). 2 submissions from 2 submitters: Benign (2). Last evaluated 2018-01-13.

Conditions:
Fanconi anemia complementation group A (FANCA). Also called: Fanconi anemia, group A; FANCA-Related Fanconi Anemia. Identifiers: Orphanet 84, MedGen C3469521, MONDO:0009215, OMIM 227650.

Allele frequency attached by ClinVar (database versions not stated): gnomAD exomes 0.00922; gnomAD 0.03426; ExAC 0.03492; 1000 Genomes Project 0.04034.
gnomAD v4.1: 11,293 of 629,144 alleles (1.8%); highest among the groups gnomAD compares: African/African-American, 37%; 567 homozygotes.

Submissions (2):

Illumina Laboratory Services, Illumina
Classification: Benign for Fanconi anemia complementation group A. Last evaluated: 2018-01-13. Review status: criteria provided, single submitter. Criteria: ICSL Variant Classification Criteria 13 December 2019. Collection method: clinical testing. Allele origin: germline.
Comment: This variant was observed in the ICSL laboratory as part of a predisposition screen in an ostensibly healthy population. It had not been previously curated by ICSL or reported in the Human Gene Mutation Database (HGMD: prior to June 1st, 2018), and was therefore a candidate for classification through an automated scoring system. Utilizing variant allele frequency, disease prevalence and penetrance estimates, and inheritance mode, an automated score was calculated to assess if this variant is too frequent to cause the disease. Based on the score and internal cut-off values, a variant classified as benign is not then subjected to further curation. The score for this variant resulted in a classification of benign for this disease.

Breakthrough Genomics
Classification: Benign. Review status: criteria provided, single submitter. Criteria: ACMG Guidelines, 2015. Collection method: not provided. Allele origin: germline. Inheritance: Autosomal recessive inheritance. Affected: yes.